The following is an entry in ClinVar:

NM_138615.3(DHX30):c.912G>A (p.Ala304=)

Gene: DHX30 (DExH-box helicase 30; plus strand). Cytogenetic location: 3p21.31.
Variant type: single nucleotide variant.
Coding change: c.912G>A on transcript NM_138615.3 (MANE Select); coding-DNA position 912, G replaced by A.
Protein change: p.Ala304=; no amino-acid change (alanine 304 retained).
Molecular consequence: synonymous variant.
Genome position (GRCh38, 1-based): chr3:47,843,228, G>A. VCF-style: chr3-47843228-G-A. GRCh37 (hg19) VCF-style: chr3-47884718-G-A.
Other names: c.828G>A, p.Ala276= (NM_001330990.2); c.795G>A, p.Ala265= (NM_014966.4).
Identifiers: ClinVar variation 2653771 (VCV002653771.24), dbSNP rs147047248, ClinGen allele CA2369811.

ClinVar aggregate classification (germline): Likely benign (1 of 4 stars; one submission).

Allele frequency attached by ClinVar (database versions not stated): TOPMed 0.00018; gnomAD 0.00027; ESP Exome Variant Server 0.00031.
gnomAD v4.1: 303 of 1,614,268 alleles (0.019%); highest among the groups gnomAD compares: Non-Finnish European, 0.018%; no homozygotes.

Submission:

CeGaT Center for Human Genetics Tuebingen
Classification: Likely benign. Last evaluated: 2024-12-01. Review status: criteria provided, single submitter. Criteria: CeGaT Center For Human Genetics Tuebingen Variant Classification Criteria Version 2. Collection method: clinical testing. Allele origin: germline. Affected: yes. Observed: 2 variant alleles.
Comment: DHX30: BP4, BP7